The following is an entry in ClinVar:

NM_000080.4(CHRNE):c.1100C>A (p.Ser367Ter)

Genes: CHRNE (cholinergic receptor nicotinic epsilon subunit; minus strand), LOC130060041 (ATAC-STARR-seq lymphoblastoid silent region 8050; plus strand). Cytogenetic location: 17p13.2.
Variant type: single nucleotide variant.
Coding change: c.1100C>A on transcript NM_000080.4 (MANE Select); coding-DNA position 1100, C replaced by A.
Protein change: p.Ser367Ter; replaces serine 367 with a stop codon.
Molecular consequence: nonsense.
Genome position (GRCh38, 1-based): chr17:4,899,317, G>T on the plus strand (C>A on the coding strand, the complement: CHRNE is on the minus strand). VCF-style: chr17-4899317-G-T. GRCh37 (hg19) VCF-style: chr17-4802612-G-T.
Other names: short protein forms S367*.
Identifiers: ClinVar variation 4816822 (VCV004816822.1).

ClinVar aggregate classification (germline): Likely pathogenic (1 of 4 stars; one submission).

Conditions:
Congenital myasthenic syndrome (CMS). Also called: Congenital Myasthenic Syndromes. Identifiers: Orphanet 590, MedGen C0751882, MeSH D020294, MONDO:0018940.

Submission:

Natera, Inc.
Classification: Likely pathogenic for Congenital myasthenic syndrome. Last evaluated: 2024-05-16. Review status: criteria provided, single submitter. Criteria: Natera Variant Classification Schema (03/2026). Collection method: clinical testing. Allele origin: germline.
Comment: The c.1100C>A variant in CHRNE is a nonsense variant predicted to introduce a stop codon at amino acid 367. This variant is expected to result in nonsense mediated decay, truncation, or a dysfunctional protein product. This variant is rare in the general population with a frequency below the threshold expected for the associated phenotype(s). Given the available evidence, this variant is classified as Likely Pathogenic.